The following is an entry in ClinVar:

NM_002480.3(PPP1R12A):c.1699G>C (p.Val567Leu)

Gene: PPP1R12A (protein phosphatase 1 regulatory subunit 12A; minus strand). Cytogenetic location: 12q21.2.
Variant type: single nucleotide variant.
Coding change: c.1699G>C on transcript NM_002480.3 (MANE Select); coding-DNA position 1699, G replaced by C.
Protein change: p.Val567Leu; replaces valine 567 with leucine.
Molecular consequence: missense variant. On other transcripts: intron variant (1).
Genome position (GRCh38, 1-based): chr12:79,806,290, C>G on the plus strand (G>C on the coding strand, the complement: PPP1R12A is on the minus strand). VCF-style: chr12-79806290-C-G. GRCh37 (hg19) VCF-style: chr12-80200070-C-G.
Other names: c.1699G>C, p.Val567Leu (NM_001143885.2, NM_001244990.2); c.1438G>C, p.Val480Leu (NM_001143886.2); c.1656-522G>C (NM_001244992.1); short protein forms V480L, V567L.
Identifiers: ClinVar variation 3388695 (VCV003388695.14).
Genomic context (GRCh38, chr12:79,806,290, plus strand): 5'-GCAGGCTTTTCTGAAGCCCAGCTGCAGAGGTAACTGTTGGTGTTGATGTGGTGCTTGGAA[C>G]ACTAGAACTAATCAAATCATCTTGTCTTCTACCAAAGGAGCAACTAAACAAAAGAGTCAT-3'
Protein context (NP_002471.1, residues 557-577): RRQDDLISSS[Val567Leu]PSTTSTPTVT

ClinVar aggregate classification (germline): Likely benign (1 of 4 stars; one submission).

gnomAD v4.1: 10 of 1,613,734 alleles (0.00062%); highest among the groups gnomAD compares: South Asian, 0.0077%; 2 homozygotes.

Submission:

CeGaT Center for Human Genetics Tuebingen
Classification: Likely benign. Last evaluated: 2024-11-01. Review status: criteria provided, single submitter. Criteria: CeGaT Center For Human Genetics Tuebingen Variant Classification Criteria Version 2. Collection method: clinical testing. Allele origin: germline. Affected: yes. Observed: 1 variant allele.
Comment: PPP1R12A: BS2